The following is an entry in ClinVar:

ClinVar aggregate classification (germline): Pathogenic (1 of 4 stars; one submission).

Submission:

Labcorp Genetics (formerly Invitae), Labcorp
Classification: Pathogenic. Last evaluated: 2022-08-15. Review status: criteria provided, single submitter. Criteria: Invitae Variant Classification Sherloc (09022015). Collection method: clinical testing. Allele origin: germline.
Comment: A gross deletion of the genomic region encompassing the full coding sequence of the FRMD7 gene has been identified. Loss-of-function variants in FRMD7 are known to be pathogenic (PMID: 17013395). The boundaries of this event are unknown as they extend beyond the assayed region for this gene and therefore may encompass additional genes. Isolated whole-gene deletions of FRMD7 have not been reported in the literature. However, larger copy number events that include this gene have been reported (PMID: 25678693, 25780367). For these reasons, this variant has been classified as Pathogenic.

Literature cited by the submitters: PubMed 17013395; PubMed 25678693; PubMed 25780367.

NC_000023.10:g.(?_131211900)_(131261872_?)del

Gene: FRMD7 (FERM domain containing 7; minus strand). Cytogenetic location: Xq26.2.
Variant type: Deletion.
Identifiers: ClinVar variation 2427622 (VCV002427622.3).